The following is an entry in ClinVar:

NM_000264.5(PTCH1):c.25_69del (p.Glu9_Ala23del)

Genes: PTCH1 (patched 1; minus strand), LOC130002133 (ATAC-STARR-seq lymphoblastoid silent region 20071; plus strand). Cytogenetic location: 9q22.32.
Variant type: Deletion.
Coding change: c.25_69del on transcript NM_000264.5 (MANE Select); coding-DNA positions 25 to 69, 45 bases deleted.
Protein change: p.Glu9_Ala23del.
Molecular consequence: inframe deletion. On other transcripts: non-coding transcript variant (1), intron variant (3).
Genome position (GRCh38, 1-based): chr9:95,508,293-95,508,337, 45 bases deleted; deleting any 45 consecutive bases within chr9:95,508,293-95,508,340 gives the same sequence; the c. name uses the placement nearest the transcript's 3' end. GRCh37 (hg19): chr9:98,270,578-98,270,622.
Other names: c.25_69del, p.Glu9_Ala23del (NM_001354918.2); c.199-1738_199-1694del (NM_001083603.3); c.4-1738_4-1694del (NM_001083602.3, NM_001354919.2).
Identifiers: ClinVar variation 4732608 (VCV004732608.1).

ClinVar aggregate classification (germline): Uncertain significance (1 of 4 stars; one submission).

Conditions:
Gorlin syndrome. Also called: Nevoid Basal Cell Carcinoma Syndrome; Basal cell nevus syndrome. Identifiers: Orphanet 377, MedGen C0004779, MONDO:0007187.

Submission:

Labcorp Genetics (formerly Invitae), Labcorp
Classification: Uncertain significance for Gorlin syndrome. Last evaluated: 2025-12-06. Review status: criteria provided, single submitter. Criteria: Invitae Variant Classification Sherloc (09022015). Collection method: clinical testing. Allele origin: germline.
Comment: This variant, c.25_69del, results in the deletion of 15 amino acid(s) of the PTCH1 protein (p.Glu9_Ala23del), but otherwise preserves the integrity of the reading frame. This variant is not present in population databases (gnomAD no frequency). This variant has not been reported in the literature in individuals affected with PTCH1-related conditions. Experimental studies and prediction algorithms are not available or were not evaluated, and the functional significance of this variant is currently unknown. In summary, the available evidence is currently insufficient to determine the role of this variant in disease. Therefore, it has been classified as a Variant of Uncertain Significance.